The following is an entry in ClinVar:

NM_144573.4(NEXN):c.1070C>T (p.Ser357Phe)

Gene: NEXN (nexilin F-actin binding protein; plus strand). Cytogenetic location: 1p31.1.
Variant type: single nucleotide variant.
Coding change: c.1070C>T on transcript NM_144573.4 (MANE Select); coding-DNA position 1070, C replaced by T.
Protein change: p.Ser357Phe; replaces serine 357 with phenylalanine.
Molecular consequence: missense variant.
Genome position (GRCh38, 1-based): chr1:77,933,298, C>T. VCF-style: chr1-77933298-C-T. GRCh37 (hg19) VCF-style: chr1-78398983-C-T.
Other names: c.878C>T, p.Ser293Phe (NM_001172309.2); short protein forms S293F, S357F.
Identifiers: ClinVar variation 1783272 (VCV001783272.3), dbSNP rs754403259, ClinGen allele CA918800.

ClinVar aggregate classification (germline): Uncertain significance. Review status: criteria provided, multiple submitters, no conflicts (2 of 4 stars). 2 submissions from 2 submitters: Uncertain significance (2). Last evaluated 2023-12-26.

Conditions:
Cardiovascular phenotype. Identifiers: MedGen CN230736.

Allele frequency attached by ClinVar (database versions not stated): gnomAD exomes below 0.00001; ExAC 0.00002.
gnomAD v4.1: 5 of 1,597,406 alleles (0.00031%); highest among the groups gnomAD compares: Admixed American, 0.0017%; no homozygotes.

Submissions (2):

GeneDx
Classification: Uncertain significance. Last evaluated: 2023-12-26. Review status: criteria provided, single submitter. Criteria: GeneDx Variant Classification Process June 2021. Collection method: clinical testing. Allele origin: germline. Affected: yes.
Comment: Has not been previously published as pathogenic or benign to our knowledge; Not observed at significant frequency in large population cohorts (gnomAD); In silico analysis supports that this missense variant does not alter protein structure/function

Ambry Genetics
Classification: Uncertain significance for Cardiovascular phenotype. Last evaluated: 2022-07-14. Review status: criteria provided, single submitter. Criteria: Ambry Variant Classification Scheme 2023. Collection method: clinical testing. Allele origin: germline.
Comment: The p.S357F variant (also known as c.1070C>T), located in coding exon 9 of the NEXN gene, results from a C to T substitution at nucleotide position 1070. The serine at codon 357 is replaced by phenylalanine, an amino acid with highly dissimilar properties. This amino acid position is conserved. In addition, this alteration is predicted to be tolerated by in silico analysis. Since supporting evidence is limited at this time, the clinical significance of this alteration remains unclear.